The following is an entry in ClinVar:

ClinVar aggregate classification (germline): Uncertain significance (1 of 4 stars; one submission).

Conditions:
Combined oxidative phosphorylation defect type 17. Also called: Combined oxidative phosphorylation deficiency 17. Identifiers: Orphanet 369913, MedGen C3809526, MONDO:0014190, OMIM 615440.

Submission:

Labcorp Genetics (formerly Invitae), Labcorp
Classification: Uncertain significance for Combined oxidative phosphorylation defect type 17. Last evaluated: 2021-07-28. Review status: criteria provided, single submitter. Criteria: Invitae Variant Classification Sherloc (09022015). Collection method: clinical testing. Allele origin: germline.
Comment: In summary, the available evidence is currently insufficient to determine the role of this variant in disease. Therefore, it has been classified as a Variant of Uncertain Significance. Algorithms developed to predict the effect of missense changes on protein structure and function (SIFT, PolyPhen-2, Align-GVGD) all suggest that this variant is likely to be disruptive, but these predictions have not been confirmed by published functional studies and their clinical significance is uncertain. This variant has not been reported in the literature in individuals with ELAC2-related conditions. This variant is not present in population databases (ExAC no frequency). This sequence change replaces alanine with valine at codon 708 of the ELAC2 protein (p.Ala708Val). The alanine residue is highly conserved and there is a small physicochemical difference between alanine and valine.

NM_018127.7(ELAC2):c.2123C>T (p.Ala708Val)

Gene: ELAC2 (elaC ribonuclease Z 2; minus strand). Cytogenetic location: 17p12.
Variant type: single nucleotide variant.
Coding change: c.2123C>T on transcript NM_018127.7 (MANE Select); coding-DNA position 2123, C replaced by T.
Protein change: p.Ala708Val; replaces alanine 708 with valine.
Molecular consequence: missense variant.
Genome position (GRCh38, 1-based): chr17:12,993,817, G>A on the plus strand (C>T on the coding strand, the complement: ELAC2 is on the minus strand). VCF-style: chr17-12993817-G-A. GRCh37 (hg19) VCF-style: chr17-12897134-G-A.
Other names: c.2003C>T, p.Ala668Val (NM_001165962.2); c.2120C>T, p.Ala707Val (NM_173717.2); short protein forms A668V, A708V, A707V.
Identifiers: ClinVar variation 852030 (VCV000852030.6), dbSNP rs2040327532, ClinGen allele CA398222761.